The following is an entry in ClinVar:

ClinVar aggregate classification (germline): Conflicting classifications of pathogenicity. Review status: criteria provided, conflicting classifications (1 of 4 stars). 4 submissions from 4 submitters: Uncertain significance (3); Likely benign (1). Last evaluated 2024-03-06.

Conditions:
Cardiovascular phenotype. Identifiers: MedGen CN230736.
Cardiomyopathy (CMYO). Also called: Cardiomyopathies. Identifiers: Orphanet 167848, MedGen C0878544, MONDO:0004994, HP:0001638. Inheritance: Various modes of inheritance.
Arrhythmogenic cardiomyopathy with wooly hair and keratoderma. Also called: Dilated cardiomyopathy with woolly hair and keratoderma; Arrhythmogenic cardiomyopathy with woolly hair and keratoderma; Carvajal syndrome; PALMOPLANTAR KERATODERMA WITH LEFT VENTRICULAR CARDIOMYOPATHY AND WOOLLY HAIR. Identifiers: Orphanet 65282, MedGen C1854063, MONDO:0011581, OMIM 605676.
Arrhythmogenic right ventricular dysplasia 8 (ARVD8). Also called: Arrhythmogenic Right Ventricular Dysplasia/Cardiomyopathy 8; ARRHYTHMOGENIC RIGHT VENTRICULAR DYSPLASIA, FAMILIAL, 8; ARRHYTHMOGENIC RIGHT VENTRICULAR CARDIOMYOPATHY 8. Identifiers: MedGen C1843896, MONDO:0011831, OMIM 607450.

Allele frequency attached by ClinVar (database versions not stated): gnomAD exomes below 0.00001; gnomAD 0.00001; TOPMed 0.00002.
gnomAD v4.1: 6 of 1,613,960 alleles (0.00037%); highest among the groups gnomAD compares: Admixed American, 0.0017%; no homozygotes.

Submissions (4):

Color Diagnostics, LLC DBA Color Health
Classification: Uncertain significance for Cardiomyopathy. Last evaluated: 2024-03-06. Review status: criteria provided, single submitter. Criteria: ACMG Guidelines, 2015. Collection method: clinical testing. Allele origin: germline.
Comment: This missense variant replaces valine with alanine at codon 501 of the DSP protein. Computational prediction suggests that this variant may not impact protein structure and function (internally defined REVEL score threshold <= 0.5, PMID: 27666373). To our knowledge, functional studies have not been reported for this variant. This variant has not been reported in individuals affected with DSP-related disorders in the literature. This variant has been identified in 1/251464 chromosomes in the general population by the Genome Aggregation Database (gnomAD). The available evidence is insufficient to determine the role of this variant in disease conclusively. Therefore, this variant is classified as a Variant of Uncertain Significance.

All of Us Research Program, National Institutes of Health
Classification: Uncertain significance for Arrhythmogenic cardiomyopathy with wooly hair and keratoderma. Last evaluated: 2023-06-28. Review status: criteria provided, single submitter. Criteria: ACMG Guidelines, 2015. Collection method: clinical testing. Allele origin: germline. Inheritance: Autosomal dominant inheritance. Observed: 2 variant alleles, 2 heterozygotes.
Comment: This missense variant replaces valine with alanine at codon 501 of the DSP protein. Computational prediction suggests that this variant may not impact protein structure and function (internally defined REVEL score threshold <= 0.5, PMID: 27666373). To our knowledge, functional studies have not been reported for this variant. This variant has not been reported in individuals affected with DSP-related disorders in the literature. This variant has been identified in 1/251464 chromosomes in the general population by the Genome Aggregation Database (gnomAD). The available evidence is insufficient to determine the role of this variant in disease conclusively. Therefore, this variant is classified as a Variant of Uncertain Significance.

This study involves interpretation of variants in research participants for the purpose of population health screening. Participant phenotype was not available at the time of variant classification. Additional details can be found in publication PMID: 35346344, PMCID: PMC8962531

Labcorp Genetics (formerly Invitae), Labcorp
Classification: Likely benign for Arrhythmogenic cardiomyopathy with wooly hair and keratoderma; Arrhythmogenic right ventricular dysplasia 8. Last evaluated: 2023-05-22. Review status: criteria provided, single submitter. Criteria: Invitae Variant Classification Sherloc (09022015). Collection method: clinical testing. Allele origin: germline.

Ambry Genetics
Classification: Uncertain significance for Cardiovascular phenotype. Last evaluated: 2019-06-27. Review status: criteria provided, single submitter. Criteria: Ambry Variant Classification Scheme 2023. Collection method: clinical testing. Allele origin: germline.
Comment: The p.V501A variant (also known as c.1502T>C), located in coding exon 12 of the DSP gene, results from a T to C substitution at nucleotide position 1502. The valine at codon 501 is replaced by alanine, an amino acid with similar properties. This amino acid position is not well conserved in available vertebrate species. In addition, this alteration is predicted to be tolerated by in silico analysis. Since supporting evidence is limited at this time, the clinical significance of this alteration remains unclear.

NM_004415.4(DSP):c.1502T>C (p.Val501Ala)

Gene: DSP (desmoplakin; plus strand). Cytogenetic location: 6p24.3.
Variant type: single nucleotide variant.
Coding change: c.1502T>C on transcript NM_004415.4 (MANE Select); coding-DNA position 1502, T replaced by C.
Protein change: p.Val501Ala; replaces valine 501 with alanine.
Molecular consequence: missense variant.
Genome position (GRCh38, 1-based): chr6:7,569,268, T>C. VCF-style: chr6-7569268-T-C. GRCh37 (hg19) VCF-style: chr6-7569501-T-C.
Other names: c.1502T>C, p.Val501Ala (NM_001008844.3, NM_001319034.2); short protein forms V501A.
Identifiers: ClinVar variation 847498 (VCV000847498.16), dbSNP rs544017143, ClinGen allele CA16622016.